The following is an entry in ClinVar:

ClinVar aggregate classification (germline): Pathogenic (1 of 4 stars; one submission).

Submission:

Illumina Laboratory Services, Illumina
Classification: Pathogenic. Last evaluated: 2021-03-03. Review status: criteria provided, single submitter. Criteria: ICSL CNVClassificationCriteria Aug2020. Collection method: clinical testing. Allele origin: unknown.
Comment: This CNV is a 98 kb deletion of 2q23.1 on chromosome 2, (seq[GRCh37]del(2)(q23.1; chr2:g.148726315_148824342del), which is found in a de novo state. The CNV constitutes a loss encompassing two protein-coding genes, ORC4 and MBD5, and overlaps CNVs identified in individuals with 2q23.1 microdeletion syndrome which includes deletion of the MBD5 gene. A breakpoint of this deletion occurs in the MBD5 gene between the second and third non-coding exon and variants disrupting the MBD5 non-coding region have been described in affected individuals (Bonnet et al. 2013; Hodge et al. 2014). Across a selection of the available literature, similar losses have been found in at least ten affected individuals (Bonnet et al. 2013; Hodge et al. 2014; Tadros et al. 2017). The 2q23.1 deletion has not been reported in published controls (MacDonald et al. 2013; Coe et al. 2014). Based on the collective evidence, the 2q23.1 deletion is classified as pathogenic.

Literature cited by the submitters: PubMed 23422940; PubMed 23587880; PubMed 24174537; PubMed 25217958; PubMed 28944244.

GRCh37/hg19 2q23.1(chr2:148726315-148824342)x1

Genes: MBD5 (methyl-CpG binding domain protein 5; plus strand), ORC4 (origin recognition complex subunit 4; minus strand). Cytogenetic location: 2q23.1.
Variant type: copy number loss.
Change: copy number 1 (one copy instead of two) of chr2:148,726,315-148,824,342 (98.0 kb, GRCh37 coordinates, 1-based), cytogenetic band 2q23.1.
Identifiers: ClinVar variation 1328442 (VCV001328442.4).